The following is an entry in ClinVar:

NM_015884.4(MBTPS2):c.1556G>A (p.Arg519Gln)

Gene: MBTPS2 (membrane bound transcription factor peptidase, site 2; plus strand). Cytogenetic location: Xp22.12.
Variant type: single nucleotide variant.
Coding change: c.1556G>A on transcript NM_015884.4 (MANE Select); coding-DNA position 1556, G replaced by A.
Protein change: p.Arg519Gln; replaces arginine 519 with glutamine.
Molecular consequence: missense variant.
Genome position (GRCh38, 1-based): chrX:21,882,651, G>A. VCF-style: chrX-21882651-G-A. GRCh37 (hg19) VCF-style: chrX-21900769-G-A.
Other names: short protein forms R519Q.
Identifiers: ClinVar variation 4699122 (VCV004699122.1).
Genomic context (GRCh38, chrX:21,882,651, plus strand): 5'-TGGGTGGCAGTGTACTTTTGGCTGCCAATGTGACCCTGGGACTCTGGATGGTTACAGCAC[G>A]GTAATGTTTGCACTCATCTGACAGAATCCCTGAGTTACAGTATACAGCTATGTGGTAATA-3'
Protein context (NP_056968.1, residues 509-519): VTLGLWMVTA[Arg519Gln]

ClinVar aggregate classification (germline): Uncertain significance (1 of 4 stars; one submission).

Submission:

Labcorp Genetics (formerly Invitae), Labcorp
Classification: Uncertain significance. Last evaluated: 2025-02-16. Review status: criteria provided, single submitter. Criteria: Invitae Variant Classification Sherloc (09022015). Collection method: clinical testing. Allele origin: germline.
Comment: This sequence change replaces arginine, which is basic and polar, with glutamine, which is neutral and polar, at codon 519 of the MBTPS2 protein (p.Arg519Gln). This variant is present in population databases (no rsID available, gnomAD 0.009%). This variant has not been reported in the literature in individuals affected with MBTPS2-related conditions. Invitae Evidence Modeling of protein sequence and biophysical properties (such as structural, functional, and spatial information, amino acid conservation, physicochemical variation, residue mobility, and thermodynamic stability) has been performed for this missense variant. However, the output from this modeling did not meet the statistical confidence thresholds required to predict the impact of this variant on MBTPS2 protein function. In summary, the available evidence is currently insufficient to determine the role of this variant in disease. Therefore, it has been classified as a Variant of Uncertain Significance.